The following is an entry in ClinVar:

NM_001394966.1(NEK10):c.1310G>C (p.Cys437Ser)

Gene: NEK10 (NIMA related kinase 10; minus strand). Cytogenetic location: 3p24.1.
Variant type: single nucleotide variant.
Coding change: c.1310G>C on transcript NM_001394966.1 (MANE Select); coding-DNA position 1310, G replaced by C.
Protein change: p.Cys437Ser; replaces cysteine 437 with serine.
Molecular consequence: missense variant.
Genome position (GRCh38, 1-based): chr3:27,293,651, C>G on the plus strand (G>C on the coding strand, the complement: NEK10 is on the minus strand). VCF-style: chr3-27293651-C-G. GRCh37 (hg19) VCF-style: chr3-27335142-C-G.
Other names: c.1310G>C, p.Cys437Ser (NM_001394963.1, NM_001394965.1, NM_001394970.1 and 3 more transcripts); c.1223G>C, p.Cys408Ser (NM_001394964.1, NM_001394967.1, NM_001394969.1); c.1331G>C, p.Cys444Ser (NM_001394968.1); short protein forms C408S, C437S, C444S.
Identifiers: ClinVar variation 4538777 (VCV004538777.1).

ClinVar aggregate classification (germline): Uncertain significance (1 of 4 stars; one submission).

Submission:

GeneDx
Classification: Uncertain significance. Last evaluated: 2025-06-18. Review status: criteria provided, single submitter. Criteria: GeneDx Variant Classification Process June 2021. Collection method: clinical testing. Allele origin: germline. Affected: yes.
Comment: Not observed at significant frequency in large population cohorts (gnomAD); In silico analysis supports that this missense variant has a deleterious effect on protein structure/function; Has not been previously published as pathogenic or benign to our knowledge